The following is an entry in ClinVar:

ClinVar aggregate classification (germline): Uncertain significance (1 of 4 stars; one submission).

Allele frequency attached by ClinVar (database versions not stated): gnomAD exomes below 0.00001; ExAC 0.00002.
gnomAD v4.1: 3 of 1,614,072 alleles (0.00019%); highest among the groups gnomAD compares: Non-Finnish European, 0.00025%; no homozygotes.

Submission:

Athena Diagnostics
Classification: Uncertain significance. Last evaluated: 2022-12-07. Review status: criteria provided, single submitter. Criteria: Athena Diagnostics Criteria. Collection method: clinical testing. Allele origin: unknown.
Comment: Available data are insufficient to determine the clinical significance of the variant at this time. The frequency of this variant in the general population is uninformative in assessment of its pathogenicity. Computational tools predict that this variant is not damaging.

NM_182961.4(SYNE1):c.2444T>A (p.Ile815Asn)

Gene: SYNE1 (spectrin repeat containing nuclear envelope protein 1; minus strand). Cytogenetic location: 6q25.2.
Variant type: single nucleotide variant.
Coding change: c.2444T>A on transcript NM_182961.4 (MANE Select); coding-DNA position 2444, T replaced by A.
Protein change: p.Ile815Asn; replaces isoleucine 815 with asparagine.
Molecular consequence: missense variant.
Genome position (GRCh38, 1-based): chr6:152,458,881, A>T on the plus strand (T>A on the coding strand, the complement: SYNE1 is on the minus strand). VCF-style: chr6-152458881-A-T. GRCh37 (hg19) VCF-style: chr6-152780016-A-T.
Other names: c.2465T>A, p.Ile822Asn (NM_033071.5); short protein forms I815N, I822N.
Identifiers: ClinVar variation 2684051 (VCV002684051.1), dbSNP rs769963625, ClinGen allele CA4059135.
Genomic context (GRCh38, chr6:152,458,881, plus strand): 5'-TTGATTTTCCCAAGTGAGTCATAAAAGGACGTCATCTGCTTTTCTAATTCCTCCAACGGA[A>T]TCAACAGCTGCTGAGACTCATAAAGGAGTGGGGAGTAACATTCTTTGACCTTTAAAAACA-3'
Protein context (NP_892006.3, residues 805-825): PLLYESQQLL[Ile815Asn]PLEELEKQMT